The following is an entry in ClinVar:

ClinVar aggregate classification (germline): Benign. Review status: criteria provided, multiple submitters, no conflicts (2 of 4 stars). 2 submissions from 2 submitters: Benign (2). Last evaluated 2018-06-14.

Allele frequency attached by ClinVar (database versions not stated): 1000 Genomes Project 30x 0.03982; 1000 Genomes Project 0.04054; TOPMed 0.07234; gnomAD 0.08195 and 0.08365; gnomAD exomes 0.09059.
gnomAD v4.1: 32,441 of 371,774 alleles (8.7%); highest among the groups gnomAD compares: Non-Finnish European, 12%; 1,769 homozygotes.

Submissions (2):

GeneDx
Classification: Benign. Last evaluated: 2018-06-14. Review status: criteria provided, single submitter. Criteria: GeneDx Variant Classification (06012015). Collection method: clinical testing. Allele origin: germline. Affected: yes.
Comment: This variant is considered likely benign or benign based on one or more of the following criteria: it is a conservative change, it occurs at a poorly conserved position in the protein, it is predicted to be benign by multiple in silico algorithms, and/or has population frequency not consistent with disease.

Breakthrough Genomics
Classification: Benign. Review status: criteria provided, single submitter. Criteria: ACMG Guidelines, 2015. Collection method: not provided. Allele origin: germline. Inheritance: Autosomal recessive inheritance. Affected: yes.

NM_025150.5(TARS2):c.387+310G>T

Gene: TARS2 (threonyl-tRNA synthetase 2, mitochondrial; plus strand). Cytogenetic location: 1q21.2.
Variant type: single nucleotide variant.
Coding change: c.387+310G>T on transcript NM_025150.5 (MANE Select); 310 bases into the intron after coding-DNA position 387, G replaced by T.
Molecular consequence: intron variant.
Genome position (GRCh38, 1-based): chr1:150,489,397, G>T. VCF-style: chr1-150489397-G-T. GRCh37 (hg19) VCF-style: chr1-150461873-G-T.
Other names: c.387+310G>T (NM_001271895.2, NM_001271896.2).
Identifiers: ClinVar variation 680804 (VCV000680804.2), dbSNP rs12138453, ClinGen allele CA10780864.